The following is an entry in ClinVar:

ClinVar aggregate classification (germline): Uncertain significance (1 of 4 stars; one submission).

Submission:

Labcorp Genetics (formerly Invitae), Labcorp
Classification: Uncertain significance. Last evaluated: 2025-03-05. Review status: criteria provided, single submitter. Criteria: Invitae Variant Classification Sherloc (09022015). Collection method: clinical testing. Allele origin: germline.
Comment: This sequence change replaces arginine, which is basic and polar, with glutamine, which is neutral and polar, at codon 190 of the NEFH protein (p.Arg190Gln). This variant is not present in population databases (gnomAD no frequency). This variant has not been reported in the literature in individuals affected with NEFH-related conditions. Invitae Evidence Modeling of protein sequence and biophysical properties (such as structural, functional, and spatial information, amino acid conservation, physicochemical variation, residue mobility, and thermodynamic stability) indicates that this missense variant is not expected to disrupt NEFH protein function with a negative predictive value of 95%. In summary, the available evidence is currently insufficient to determine the role of this variant in disease. Therefore, it has been classified as a Variant of Uncertain Significance.

NM_021076.4(NEFH):c.569G>A (p.Arg190Gln)

Gene: NEFH (neurofilament heavy chain; plus strand). Cytogenetic location: 22q12.2.
Variant type: single nucleotide variant.
Coding change: c.569G>A on transcript NM_021076.4 (MANE Select); coding-DNA position 569, G replaced by A.
Protein change: p.Arg190Gln; replaces arginine 190 with glutamine.
Molecular consequence: missense variant.
Genome position (GRCh38, 1-based): chr22:29,480,831, G>A. VCF-style: chr22-29480831-G-A. GRCh37 (hg19) VCF-style: chr22-29876820-G-A.
Other names: short protein forms R190Q.
Identifiers: ClinVar variation 3605224 (VCV003605224.2).